The following is an entry in ClinVar:

ClinVar aggregate classification (germline): Likely benign. Review status: criteria provided, multiple submitters, no conflicts (2 of 4 stars). 2 submissions from 2 submitters: Likely benign (2). Last evaluated 2024-03-12.

gnomAD v4.1: 2 of 1,613,090 alleles (0.00012%); highest among the groups gnomAD compares: Non-Finnish European, 0.00017%; no homozygotes.

Submissions (2):

Labcorp Genetics (formerly Invitae), Labcorp
Classification: Likely benign. Last evaluated: 2024-03-12. Review status: criteria provided, single submitter. Criteria: Invitae Variant Classification Sherloc (09022015). Collection method: clinical testing. Allele origin: germline.

CeGaT Center for Human Genetics Tuebingen
Classification: Likely benign. Last evaluated: 2022-05-01. Review status: criteria provided, single submitter. Criteria: CeGaT Center For Human Genetics Tuebingen Variant Classification Criteria Version 2. Collection method: clinical testing. Allele origin: germline. Affected: yes. Observed: 1 variant allele.
Comment: UBR1: PM2:Supporting, BP4, BP7

NM_174916.3(UBR1):c.2517C>G (p.Ser839=)

Gene: UBR1 (ubiquitin protein ligase E3 component n-recognin 1; minus strand). Cytogenetic location: 15q15.2.
Variant type: single nucleotide variant.
Coding change: c.2517C>G on transcript NM_174916.3 (MANE Select); coding-DNA position 2517, C replaced by G.
Protein change: p.Ser839=; no amino-acid change (serine 839 retained).
Molecular consequence: synonymous variant.
Genome position (GRCh38, 1-based): chr15:43,026,579, G>C on the plus strand (C>G on the coding strand, the complement: UBR1 is on the minus strand). VCF-style: chr15-43026579-G-C. GRCh37 (hg19) VCF-style: chr15-43318777-G-C.
Identifiers: ClinVar variation 2645264 (VCV002645264.26), dbSNP rs2542973156, ClinGen allele CA489908214.